The following is an entry in ClinVar:

NM_006371.5(CRTAP):c.196T>G (p.Tyr66Asp)

Gene: CRTAP (cartilage associated protein; plus strand). Cytogenetic location: 3p22.3.
Variant type: single nucleotide variant.
Coding change: c.196T>G on transcript NM_006371.5 (MANE Select); coding-DNA position 196, T replaced by G.
Protein change: p.Tyr66Asp; replaces tyrosine 66 with aspartic acid.
Molecular consequence: missense variant.
Genome position (GRCh38, 1-based): chr3:33,114,273, T>G. VCF-style: chr3-33114273-T-G. GRCh37 (hg19) VCF-style: chr3-33155765-T-G.
Other names: c.196T>G, p.Tyr66Asp (NM_001393363.1, NM_001393364.1, NM_001393365.1); short protein forms Y66D.
Identifiers: ClinVar variation 1716393 (VCV001716393.3), dbSNP rs1171295906, ClinGen allele CA352008352.
Genomic context (GRCh38, chr3:33,114,273, plus strand): 5'-TCGGCCTACCGGCACGCGCTGGACAAGTACAGCGGCGAGCACTGGGCCGAGAGCGTGGGC[T>G]ACCTGGAGATCAGCCTGCGGCTGCACCGCTTGCTGCGCGACAGCGAGGCCTTCTGCCACC-3'
Protein context (NP_006362.1, residues 56-76): SGEHWAESVG[Tyr66Asp]LEISLRLHRL

ClinVar aggregate classification (germline): Uncertain significance (1 of 4 stars; one submission).

Conditions:
Osteogenesis imperfecta type 7 (OI7). Also called: OI type 7; OI type VII; OSTEOGENESIS IMPERFECTA, TYPE IIB; Osteogenesis imperfecta type 2B; OI type 2B; Osteogenesis imperfecta, perinatal lethal autosomal recessive. Identifiers: MedGen C1853162, MONDO:0012536, OMIM 610682.

Allele frequency attached by ClinVar (database versions not stated): gnomAD 0.00001.
gnomAD v4.1: 2 of 1,580,928 alleles (0.00013%); highest among the groups gnomAD compares: Non-Finnish European, 0.00017%; no homozygotes.

Submission:

Labcorp Genetics (formerly Invitae), Labcorp
Classification: Uncertain significance for Osteogenesis imperfecta type 7. Last evaluated: 2022-08-13. Review status: criteria provided, single submitter. Criteria: Invitae Variant Classification Sherloc (09022015). Collection method: clinical testing. Allele origin: germline.
Comment: This sequence change replaces tyrosine, which is neutral and polar, with aspartic acid, which is acidic and polar, at codon 66 of the CRTAP protein (p.Tyr66Asp). This variant is present in population databases (no rsID available, gnomAD 0.007%). This variant has not been reported in the literature in individuals affected with CRTAP-related conditions. Algorithms developed to predict the effect of missense changes on protein structure and function are either unavailable or do not agree on the potential impact of this missense change (SIFT: "Deleterious"; PolyPhen-2: "Benign"; Align-GVGD: "Class C0"). In summary, the available evidence is currently insufficient to determine the role of this variant in disease. Therefore, it has been classified as a Variant of Uncertain Significance.